The following is an entry in ClinVar:

NM_001184.4(ATR):c.6464A>G (p.Glu2155Gly)

Gene: ATR (ATR checkpoint kinase; minus strand). Cytogenetic location: 3q23.
Variant type: single nucleotide variant.
Coding change: c.6464A>G on transcript NM_001184.4 (MANE Select); coding-DNA position 6464, A replaced by G.
Protein change: p.Glu2155Gly; replaces glutamic acid 2155 with glycine.
Molecular consequence: missense variant.
Genome position (GRCh38, 1-based): chr3:142,469,425, T>C on the plus strand (A>G on the coding strand, the complement: ATR is on the minus strand). VCF-style: chr3-142469425-T-C. GRCh37 (hg19) VCF-style: chr3-142188267-T-C.
Other names: c.6272A>G, p.Glu2091Gly (NM_001354579.2); short protein forms E2155G, E2091G.
Identifiers: ClinVar variation 1753672 (VCV001753672.2), dbSNP rs2108278965, ClinGen allele CA354804635.

ClinVar aggregate classification (germline): Uncertain significance (1 of 4 stars; one submission).

Conditions:
Inborn genetic diseases. Identifiers: MedGen C0950123, MeSH D030342.

Submission:

Ambry Genetics
Classification: Uncertain significance for Inborn genetic diseases. Last evaluated: 2022-10-03. Review status: criteria provided, single submitter. Criteria: Ambry Variant Classification Scheme 2023. Collection method: clinical testing. Allele origin: germline.
Comment: The p.E2155G variant (also known as c.6464A>G), located in coding exon 38 of the ATR gene, results from an A to G substitution at nucleotide position 6464. The glutamic acid at codon 2155 is replaced by glycine, an amino acid with similar properties. This amino acid position is conserved. In addition, this alteration is predicted to be tolerated by in silico analysis. Since supporting evidence is limited at this time, the clinical significance of this alteration remains unclear.